The following is an entry in ClinVar:

ClinVar aggregate classification (germline): Pathogenic (1 of 4 stars; one submission).

Submission:

Labcorp Genetics (formerly Invitae), Labcorp
Classification: Pathogenic. Last evaluated: 2023-10-28. Review status: criteria provided, single submitter. Criteria: Invitae Variant Classification Sherloc (09022015). Collection method: clinical testing. Allele origin: germline.
Comment: This sequence change creates a premature translational stop signal (p.Glu203*) in the CUL3 gene. It is expected to result in an absent or disrupted protein product. Loss-of-function variants in CUL3 are known to be pathogenic (PMID: 32341456). This variant is not present in population databases (gnomAD no frequency). This variant has not been reported in the literature in individuals affected with CUL3-related conditions. Algorithms developed to predict the effect of sequence changes on RNA splicing suggest that this variant may disrupt the consensus splice site. For these reasons, this variant has been classified as Pathogenic.

Literature cited by the submitters: PubMed 32341456.

NM_003590.5(CUL3):c.607G>T (p.Glu203Ter)

Gene: CUL3 (cullin 3; minus strand). Cytogenetic location: 2q36.2.
Variant type: single nucleotide variant.
Coding change: c.607G>T on transcript NM_003590.5 (MANE Select); coding-DNA position 607, G replaced by T.
Protein change: p.Glu203Ter; replaces glutamic acid 203 with a stop codon.
Molecular consequence: nonsense.
Genome position (GRCh38, 1-based): chr2:224,513,571, C>A on the plus strand (G>T on the coding strand, the complement: CUL3 is on the minus strand). VCF-style: chr2-224513571-C-A. GRCh37 (hg19) VCF-style: chr2-225378288-C-A.
Other names: c.409G>T, p.Glu137Ter (NM_001257197.2); c.625G>T, p.Glu209Ter (NM_001257198.2); short protein forms E203*, E209*, E137*.
Identifiers: ClinVar variation 2772417 (VCV002772417.3), dbSNP rs2106220741, ClinGen allele CA350831193.